The following is an entry in ClinVar:

ClinVar aggregate classification (germline): Uncertain significance (1 of 4 stars; one submission).

Conditions:
Hereditary cancer-predisposing syndrome. Also called: Neoplastic Syndromes, Hereditary; Tumor predisposition; Hereditary neoplastic syndrome; Hereditary Cancer Syndrome. Identifiers: Orphanet 140162, MedGen C0027672, MeSH D009386, MONDO:0015356.

Submission:

Ambry Genetics
Classification: Uncertain significance for Hereditary cancer-predisposing syndrome. Last evaluated: 2026-07-11. Review status: criteria provided, single submitter. Criteria: Ambry Variant Classification Scheme 2023. Collection method: clinical testing. Allele origin: germline.
Comment: The p.R10Q variant (also known as c.29G>A), located in coding exon 1 of the BARD1 gene, results from a G to A substitution at nucleotide position 29. The arginine at codon 10 is replaced by glutamine, an amino acid with highly similar properties. This amino acid position is conserved. In addition, this alteration is predicted to be tolerated by in silico analysis. Based on the available evidence, the clinical significance of this variant remains unclear.

NM_000465.4(BARD1):c.29G>A (p.Arg10Gln)

Gene: BARD1 (BRCA1 associated RING domain 1; minus strand). Cytogenetic location: 2q35.
Variant type: single nucleotide variant.
Coding change: c.29G>A on transcript NM_000465.4 (MANE Select); coding-DNA position 29, G replaced by A.
Protein change: p.Arg10Gln; replaces arginine 10 with glutamine.
Molecular consequence: missense variant. On other transcripts: non-coding transcript variant (3).
Genome position (GRCh38, 1-based): chr2:214,809,541, C>T on the plus strand (G>A on the coding strand, the complement: BARD1 is on the minus strand). VCF-style: chr2-214809541-C-T. GRCh37 (hg19) VCF-style: chr2-215674265-C-T.
Other names: c.29G>A, p.Arg10Gln (NM_001282543.2, NM_001282545.2, NM_001282548.2 and 1 more transcripts); short protein forms R10Q.
Identifiers: ClinVar variation 5032804 (VCV005032804.1).